The following is an entry in ClinVar:

ClinVar aggregate classification (germline): Likely benign. Review status: criteria provided, multiple submitters, no conflicts (2 of 4 stars). 5 submissions from 5 submitters: Likely benign (5). Last evaluated 2025-12-01.

Conditions:
Inborn genetic diseases. Identifiers: MedGen C0950123, MeSH D030342.

Allele frequency attached by ClinVar (database versions not stated): ExAC 0.00086; gnomAD 0.00243 and 0.00260; ESP Exome Variant Server 0.00254; TOPMed 0.00269; 1000 Genomes Project 0.00300; 1000 Genomes Project 30x 0.00328; gnomAD exomes 0.00025 and 0.00063.

Submissions (5):

CeGaT Center for Human Genetics Tuebingen
Classification: Likely benign. Last evaluated: 2025-12-01. Review status: criteria provided, single submitter. Criteria: CeGaT Center For Human Genetics Tuebingen Variant Classification Criteria Version 2. Collection method: clinical testing. Allele origin: germline. Affected: yes. Observed: 1 variant allele.
Comment: HERC2: BP4, BS2

Ambry Genetics
Classification: Likely benign for Inborn genetic diseases. Last evaluated: 2025-08-04. Review status: criteria provided, single submitter. Criteria: Ambry Variant Classification Scheme 2023. Collection method: clinical testing. Allele origin: germline.

Labcorp Genetics (formerly Invitae), Labcorp
Classification: Likely benign. Last evaluated: 2019-12-31. Review status: criteria provided, single submitter. Criteria: Invitae Variant Classification Sherloc (09022015). Collection method: clinical testing. Allele origin: germline.

Center for Pediatric Genomic Medicine, Children's Mercy Hospital and Clinics
Classification: Likely benign. Last evaluated: 2017-05-03. Review status: criteria provided, single submitter. Criteria: ACMG Guidelines, 2015. Collection method: clinical testing. Allele origin: germline.

Breakthrough Genomics
Classification: Likely benign. Review status: criteria provided, single submitter. Criteria: ACMG Guidelines, 2015. Collection method: not provided. Allele origin: germline. Inheritance: Autosomal recessive inheritance. Affected: yes.

NM_004667.6(HERC2):c.5429T>C (p.Met1810Thr)

Gene: HERC2 (HECT and RLD domain containing E3 ubiquitin protein ligase 2; minus strand). Cytogenetic location: 15q13.1.
Variant type: single nucleotide variant.
Coding change: c.5429T>C on transcript NM_004667.6 (MANE Select); coding-DNA position 5429, T replaced by C.
Protein change: p.Met1810Thr; replaces methionine 1810 with threonine.
Molecular consequence: missense variant.
Genome position (GRCh38, 1-based): chr15:28,228,253, A>G on the plus strand (T>C on the coding strand, the complement: HERC2 is on the minus strand). VCF-style: chr15-28228253-A-G. GRCh37 (hg19) VCF-style: chr15-28473399-A-G.
Other names: c.5429T>C (NM_004667.4); short protein forms M1810T.
Identifiers: ClinVar variation 445661 (VCV000445661.12), dbSNP rs142072884, ClinGen allele CA7442353.
Genomic context (GRCh38, chr15:28,228,253, plus strand): 5'-GGCGCTCAAGCGGGTGCAGACCTACCAATCAGGCGCAGTGCCGTCTGCGTGAGGGCCAGC[A>G]TGCCGGAATTGAGCAGAAGGTCGAGGTTGTTTGCGCCGTGCTGCAGGGTGAGCATGCTGA-3'
Protein context (NP_004658.3, residues 1800-1820): NNLDLLLNSG[Met1810Thr]LALTQTALRL